The following is an entry in ClinVar:

NM_024422.6(DSC2):c.145G>T (p.Val49Phe)

Gene: DSC2 (desmocollin 2; minus strand). Cytogenetic location: 18q12.1.
Variant type: single nucleotide variant.
Coding change: c.145G>T on transcript NM_024422.6 (MANE Select); coding-DNA position 145, G replaced by T.
Protein change: p.Val49Phe; replaces valine 49 with phenylalanine.
Molecular consequence: missense variant. On other transcripts: 5 prime UTR variant (2).
Genome position (GRCh38, 1-based): chr18:31,093,568, C>A on the plus strand (G>T on the coding strand, the complement: DSC2 is on the minus strand). VCF-style: chr18-31093568-C-A. GRCh37 (hg19) VCF-style: chr18-28673531-C-A.
Other names: c.-285G>T (NM_001406506.1, NM_001406507.1); c.145G>T, p.Val49Phe (NM_004949.5); short protein forms V49F.
Identifiers: ClinVar variation 4824033 (VCV004824033.1).
Genomic context (GRCh38, chr18:31,093,568, plus strand): 5'-ATATGTACCACAGCAAAACAGGATTTATTACAAATTTTAGGGCTTCCTTACCTCTACCAA[C>A]AAGTTTCTCGGCATCTAGTTTGGAGGGAACATGTAATGTCACATTTTTGCAGGCATCACT-3'
Protein context (NP_077740.1, residues 39-59): VPSKLDAEKL[Val49Phe]GRVNLKECFT

ClinVar aggregate classification (germline): Uncertain significance (1 of 4 stars; one submission).

Conditions:
Cardiovascular phenotype. Identifiers: MedGen CN230736.

gnomAD v4.1: 3 of 1,605,688 alleles (0.00019%); highest among the groups gnomAD compares: Admixed American, 0.005%; no homozygotes.

Submission:

Ambry Genetics
Classification: Uncertain significance for Cardiovascular phenotype. Last evaluated: 2026-02-19. Review status: criteria provided, single submitter. Criteria: Ambry Variant Classification Scheme 2023. Collection method: clinical testing. Allele origin: germline.
Comment: The p.V49F variant (also known as c.145G>T), located in coding exon 2 of the DSC2 gene, results from a G to T substitution at nucleotide position 145. The valine at codon 49 is replaced by phenylalanine, an amino acid with highly similar properties. This amino acid position is conserved. In addition, this alteration is predicted to be tolerated by in silico analysis. Based on the available evidence, the clinical significance of this variant remains unclear.